The following is an entry in ClinVar:

ClinVar aggregate classification (germline): Uncertain significance (1 of 4 stars; one submission).

Submission:

Labcorp Genetics (formerly Invitae), Labcorp
Classification: Uncertain significance. Last evaluated: 2022-06-28. Review status: criteria provided, single submitter. Criteria: Invitae Variant Classification Sherloc (09022015). Collection method: clinical testing. Allele origin: germline.
Comment: This sequence change falls in intron 2 of the CACNA1B gene. It does not directly change the encoded amino acid sequence of the CACNA1B protein. It affects a nucleotide within the consensus splice site. This variant is not present in population databases (gnomAD no frequency). This variant has not been reported in the literature in individuals affected with CACNA1B-related conditions. Variants that disrupt the consensus splice site are a relatively common cause of aberrant splicing (PMID: 17576681, 9536098). Algorithms developed to predict the effect of sequence changes on RNA splicing suggest that this variant may disrupt the consensus splice site. In summary, the available evidence is currently insufficient to determine the role of this variant in disease. Therefore, it has been classified as a Variant of Uncertain Significance.

Literature cited by the submitters: PubMed 17576681; PubMed 9536098.

NM_000718.4(CACNA1B):c.390+1_390+2insACGACACGGAGCCCTATTTCATCGGGATCTTTTGCTTCGAGGCAGGGATCAAAATCATCGCTCTGGGCTTTGTC

Genes: CACNA1B (calcium voltage-gated channel subunit alpha1 B; plus strand), CACNA1B-AS2 (CACNA1B antisense RNA 2; minus strand). Cytogenetic location: 9q34.3.
Variant type: Insertion.
Coding change: c.390+1_390+2insACGACACGGAGCCCTATTTCATCGGGATCTTTTGCTTCGAGGCAGGGATCAAAATCATCGCTCTGGGCTTTGTC on transcript NM_000718.4 (MANE Select); the canonical splice donor site of the intron after coding-DNA position 390, ACGACACGGAGCCCTATTTCATCGGGATCTTTTGCTTCGAGGCAGGGATCAAAATCATCGCTCTGGGCTTTGTC inserted.
Molecular consequence: splice donor variant.
Genome position: GRCh38: chr9:137,879,160-137,879,161. GRCh37 (hg19): chr9:140,773,612-140,773,613.
Other names: c.390+1_390+2insACGACACGGAGCCCTATTTCATCGGGATCTTTTGCTTCGAGGCAGGGATCAAAATCATCGCTCTGGGCTTTGTC (NM_001243812.2).
Identifiers: ClinVar variation 1993081 (VCV001993081.1), dbSNP rs370237172, ClinGen allele CA2580081014.